The following is an entry in ClinVar:

ClinVar aggregate classification (germline): Uncertain significance. Review status: criteria provided, multiple submitters, no conflicts (2 of 4 stars). 2 submissions from 2 submitters: Uncertain significance (2). Last evaluated 2021-05-20.

Conditions:
Fanconi anemia (FA). Also called: Fanconi's anemia. Identifiers: Orphanet 84, MedGen C0015625, MeSH D005199, MONDO:0019391.

Allele frequency attached by ClinVar (database versions not stated): gnomAD exomes below 0.00001.

Submissions (2):

Sema4
Classification: Uncertain significance for Fanconi anemia. Last evaluated: 2021-05-20. Review status: criteria provided, single submitter. Criteria: Sema4 Curation Guidelines. Collection method: curation. Allele origin: germline.
Comment: The SLX4 c.2371A>G (p.I791V) variant has not been reported in the literature to our knowledge. It was observed in 1/8712 chromosomes of the African/African American subpopulation in the large and broad cohorts of the Genome Aggregation Database (PMID: 32461654). The variant has not been reported in ClinVar. In silico tools suggest the impact of the variant on protein function is benign, though these predictions have not been confirmed by functional studies. In summary, there is no indication that this variant causes disease, but the evidence is insufficient to prove this conclusively. Thus, the clinical significance of this variant is currently uncertain.

GeneDx
Classification: Uncertain significance. Last evaluated: 2020-12-07. Review status: criteria provided, single submitter. Criteria: GeneDx Variant Classification Process June 2021. Collection method: clinical testing. Allele origin: germline. Affected: yes.
Comment: Not observed at a significant frequency in large population cohorts (Lek et al., 2016); In silico analysis supports that this missense variant does not alter protein structure/function; Has not been previously published as pathogenic or benign to our knowledge

NM_032444.4(SLX4):c.2371A>G (p.Ile791Val)

Gene: SLX4 (SLX4 structure-specific endonuclease subunit; minus strand). Cytogenetic location: 16p13.3.
Variant type: single nucleotide variant.
Coding change: c.2371A>G on transcript NM_032444.4 (MANE Select); coding-DNA position 2371, A replaced by G.
Protein change: p.Ile791Val; replaces isoleucine 791 with valine.
Molecular consequence: missense variant.
Genome position (GRCh38, 1-based): chr16:3,591,267, T>C on the plus strand (A>G on the coding strand, the complement: SLX4 is on the minus strand). VCF-style: chr16-3591267-T-C. GRCh37 (hg19) VCF-style: chr16-3641268-T-C.
Other names: short protein forms I791V.
Identifiers: ClinVar variation 1320838 (VCV001320838.3), dbSNP rs1422973391, ClinGen allele CA394524066.